The following is an entry in ClinVar:

NM_024577.4(SH3TC2):c.679C>T (p.Arg227Trp)

Gene: SH3TC2 (SH3 domain and tetratricopeptide repeats 2; minus strand). Cytogenetic location: 5q32.
Variant type: single nucleotide variant.
Coding change: c.679C>T on transcript NM_024577.4 (MANE Select); coding-DNA position 679, C replaced by T.
Protein change: p.Arg227Trp; replaces arginine 227 with tryptophan.
Molecular consequence: missense variant.
Genome position (GRCh38, 1-based): chr5:149,041,468, G>A on the plus strand (C>T on the coding strand, the complement: SH3TC2 is on the minus strand). VCF-style: chr5-149041468-G-A. GRCh37 (hg19) VCF-style: chr5-148421031-G-A.
Other names: short protein forms R227W.
Identifiers: ClinVar variation 862708 (VCV000862708.11), dbSNP rs532463685, ClinGen allele CA3499438.

ClinVar aggregate classification (germline): Conflicting classifications of pathogenicity. Review status: criteria provided, conflicting classifications (1 of 4 stars). 3 submissions from 3 submitters: Likely pathogenic (1); Uncertain significance (2). Last evaluated 2026-08-19.

Conditions:
SH3TC2-related disorder. Also called: SH3TC2-related condition; SH3TC2-related disorders. Identifiers: MedGen CN239303.
Charcot-Marie-Tooth disease type 4. Also called: Charcot-Marie-Tooth disease, type IV; Charcot-Marie-Tooth, Type 4. Identifiers: Orphanet 64749, MedGen C4082197, MONDO:0018995.
Charcot-Marie-Tooth disease. Also called: Charcot-Marie-Tooth Neuropathy; Charcot-Marie-Tooth Hereditary Neuropathy. Identifiers: Orphanet 166, MedGen C0007959, MONDO:0015626.

Allele frequency attached by ClinVar (database versions not stated): gnomAD below 0.00001 and 0.00001; gnomAD exomes 0.00002 and 0.00004; ExAC 0.00005.

Submissions (3):

PreventionGenetics, part of Exact Sciences
Classification: Uncertain significance for SH3TC2-related condition. Last evaluated: 2026-08-19. Review status: criteria provided, single submitter. Criteria: ACMG Guidelines, 2015. Collection method: clinical testing. Allele origin: germline.
Comment: The SH3TC2 c.679C>T variant is predicted to result in the amino acid substitution p.Arg227Trp. This variant was reported in a heterozygous state in an individual with Charcot-Marie-Tooth (Supp. table 2, Volodarsky et al. 2021. PubMed ID: 32376792). However this variant was also reported in a heterozygous state in a second individual with Charcot-Marie-Tooth alongside a second homozygous variant known to be pathogenic (Supp. table 1, Rehbein et al. 2023. PubMed ID: 36947133). This variant is reported in 0.023% of alleles in individuals of South Asian descent in gnomAD. Given the conflicting data, the clinical significance of this variant is uncertain due to the absence of conclusive functional and genetic evidence.

Labcorp Genetics (formerly Invitae), Labcorp
Classification: Likely pathogenic for Charcot-Marie-Tooth disease type 4. Last evaluated: 2024-04-01. Review status: criteria provided, single submitter. Criteria: Invitae Variant Classification Sherloc (09022015). Collection method: clinical testing. Allele origin: germline.
Comment: This sequence change replaces arginine, which is basic and polar, with tryptophan, which is neutral and slightly polar, at codon 227 of the SH3TC2 protein (p.Arg227Trp). This variant is present in population databases (rs532463685, gnomAD 0.03%). This missense change has been observed in individual(s) with clinical features of Charcot-Marie-Tooth disease and/or clinical features of SH3TC2-related conditions (PMID: 32376792; Invitae). In at least one individual the data is consistent with being in trans (on the opposite chromosome) from a pathogenic variant. ClinVar contains an entry for this variant (Variation ID: 862708). Advanced modeling of protein sequence and biophysical properties (such as structural, functional, and spatial information, amino acid conservation, physicochemical variation, residue mobility, and thermodynamic stability) performed at Invitae indicates that this missense variant is not expected to disrupt SH3TC2 protein function with a negative predictive value of 95%. Algorithms developed to predict the effect of sequence changes on RNA splicing suggest that this variant may disrupt the consensus splice site. In summary, the currently available evidence indicates that the variant is pathogenic, but additional data are needed to prove that conclusively. Therefore, this variant has been classified as Likely Pathogenic.

Molecular Genetics Laboratory, London Health Sciences Centre
Classification: Uncertain significance for Charcot-Marie-Tooth disease. Review status: criteria provided, single submitter. Criteria: ACMG Guidelines, 2015. Collection method: clinical testing. Allele origin: germline. Affected: yes.

Literature cited by the submitters: PubMed 32376792 (cited by Labcorp Genetics (formerly Invitae), Labcorp).